The following is an entry in ClinVar:

NM_000245.4(MET):c.2414C>A (p.Ser805Tyr)

Gene: MET (MET proto-oncogene, receptor tyrosine kinase; plus strand). Cytogenetic location: 7q31.2.
Variant type: single nucleotide variant.
Coding change: c.2414C>A on transcript NM_000245.4 (MANE Select); coding-DNA position 2414, C replaced by A.
Protein change: p.Ser805Tyr; replaces serine 805 with tyrosine.
Molecular consequence: missense variant.
Genome position (GRCh38, 1-based): chr7:116,763,099, C>A. VCF-style: chr7-116763099-C-A. GRCh37 (hg19) VCF-style: chr7-116403153-C-A.
Other names: c.2468C>A, p.Ser823Tyr (NM_001127500.3); c.2414C>A, p.Ser805Tyr (NM_001324401.3); c.1124C>A, p.Ser375Tyr (NM_001324402.2); short protein forms S805Y, S375Y, S823Y.
Identifiers: ClinVar variation 2453399 (VCV002453399.2), dbSNP rs1410859976, ClinGen allele CA368983068.

ClinVar aggregate classification (germline): Uncertain significance (1 of 4 stars; one submission).

Conditions:
Hereditary cancer-predisposing syndrome. Also called: Neoplastic Syndromes, Hereditary; Tumor predisposition; Hereditary neoplastic syndrome; Hereditary Cancer Syndrome. Identifiers: Orphanet 140162, MedGen C0027672, MeSH D009386, MONDO:0015356.

Submission:

Ambry Genetics
Classification: Uncertain significance for Hereditary cancer-predisposing syndrome. Last evaluated: 2023-01-13. Review status: criteria provided, single submitter. Criteria: Ambry Variant Classification Scheme 2023. Collection method: clinical testing. Allele origin: germline.
Comment: The p.S823Y variant (also known as c.2468C>A), located in coding exon 10 of the MET gene, results from a C to A substitution at nucleotide position 2468. The serine at codon 823 is replaced by tyrosine, an amino acid with dissimilar properties. This amino acid position is conserved. In addition, this alteration is predicted to be deleterious by in silico analysis. Since supporting evidence is limited at this time, the clinical significance of this alteration remains unclear.